The following is an entry in ClinVar:

NM_016042.4(EXOSC3):c.17C>G (p.Ser6Cys)

Gene: EXOSC3 (exosome component 3; minus strand). Cytogenetic location: 9p13.2.
Variant type: single nucleotide variant.
Coding change: c.17C>G on transcript NM_016042.4 (MANE Select); coding-DNA position 17, C replaced by G.
Protein change: p.Ser6Cys; replaces serine 6 with cysteine.
Molecular consequence: missense variant.
Genome position (GRCh38, 1-based): chr9:37,785,028, G>C on the plus strand (C>G on the coding strand, the complement: EXOSC3 is on the minus strand). VCF-style: chr9-37785028-G-C. GRCh37 (hg19) VCF-style: chr9-37785025-G-C.
Other names: c.17C>G, p.Ser6Cys (NM_001002269.2); c.17C>G (NM_016042.2); short protein forms S6C.
Identifiers: ClinVar variation 1696345 (VCV001696345.5), dbSNP rs749691951, ClinGen allele CA373476208.

ClinVar aggregate classification (germline): Uncertain significance. Review status: criteria provided, multiple submitters, no conflicts (2 of 4 stars). 2 submissions from 2 submitters: Uncertain significance (2). Last evaluated 2024-11-15.

Conditions:
Inborn genetic diseases. Identifiers: MedGen C0950123, MeSH D030342.

gnomAD v4.1: 5 of 1,599,440 alleles (0.00031%); highest among the groups gnomAD compares: Admixed American, 0.0084%; no homozygotes.

Submissions (2):

Ambry Genetics
Classification: Uncertain significance for Inborn genetic diseases. Last evaluated: 2024-11-15. Review status: criteria provided, single submitter. Criteria: Ambry Variant Classification Scheme 2023. Collection method: clinical testing. Allele origin: germline.

Women's Health and Genetics/Laboratory Corporation of America, LabCorp
Classification: Uncertain significance. Last evaluated: 2022-05-25. Review status: criteria provided, single submitter. Criteria: LabCorp Variant Classification Summary - May 2015. Collection method: clinical testing. Allele origin: germline.
Comment: Variant summary: EXOSC3 c.17C>G (p.Ser6Cys) results in a non-conservative amino acid change in the encoded protein sequence. Four of five in-silico tools predict a benign effect of the variant on protein function. The variant allele was found at a frequency of 4.2e-06 in 238450 control chromosomes (gnomAD). The available data on variant occurrences in the general population are insufficient to allow any conclusion about variant significance. To our knowledge, no occurrence of c.17C>G in individuals affected with Pontocerebellar Hypoplasia, Type 1B and no experimental evidence demonstrating its impact on protein function have been reported. No clinical diagnostic laboratories have submitted clinical-significance assessments for this variant to ClinVar after 2014. Based on the evidence outlined above, the variant was classified as uncertain significance.